The following is an entry in ClinVar:

NM_018344.6(SLC29A3):c.587G>A (p.Arg196Lys)

Gene: SLC29A3 (solute carrier family 29 member 3; plus strand). Cytogenetic location: 10q22.1.
Variant type: single nucleotide variant.
Coding change: c.587G>A on transcript NM_018344.6 (MANE Select); coding-DNA position 587, G replaced by A.
Protein change: p.Arg196Lys; replaces arginine 196 with lysine.
Molecular consequence: missense variant. On other transcripts: non-coding transcript variant (1).
Genome position (GRCh38, 1-based): chr10:71,351,765, G>A. VCF-style: chr10-71351765-G-A. GRCh37 (hg19) VCF-style: chr10-73111522-G-A.
Other names: c.587G>A, p.Arg196Lys (NM_001174098.2); c.353G>A, p.Arg118Lys (NM_001363518.2); short protein forms R118K, R196K.
Identifiers: ClinVar variation 1039489 (VCV001039489.6), dbSNP rs142951844, ClinGen allele CA5542970.

ClinVar aggregate classification (germline): Uncertain significance (1 of 4 stars; one submission).

Conditions:
H syndrome. Also called: HISTIOCYTOSIS AND LYMPHADENOPATHY WITH OR WITHOUT CUTANEOUS, CARDIAC, AND/OR ENDOCRINE FEATURES, JOINT CONTRACTURES, AND/OR DEAFNESS; HYPERPIGMENTATION, CUTANEOUS, WITH HYPERTRICHOSIS, HEPATOSPLENOMEGALY, HEART ANOMALIES, AND HYPOGONADISM WITH OR WITHOUT HEARING LOSS; PIGMENTED HYPERTRICHOSIS WITH INSULIN-DEPENDENT DIABETES MELLITUS; ROSAI-DORFMAN DISEASE, FAMILIAL; SINUS HISTIOCYTOSIS AND MASSIVE LYMPHADENOPATHY; Hyperpigmentation, Cutaneous, with Hypertrichosis, Hepatosplenomegaly, Heart Anomalies, Hearing Loss, and Hypogonadism. Identifiers: Orphanet 168569, MedGen C1864445, MONDO:0011273, OMIM 602782.

Allele frequency attached by ClinVar (database versions not stated): gnomAD exomes 0.00001; ExAC 0.00002; ESP Exome Variant Server 0.00008.

Submission:

Labcorp Genetics (formerly Invitae), Labcorp
Classification: Uncertain significance for H syndrome. Last evaluated: 2021-09-01. Review status: criteria provided, single submitter. Criteria: Invitae Variant Classification Sherloc (09022015). Collection method: clinical testing. Allele origin: germline.
Comment: This sequence change replaces arginine with lysine at codon 196 of the SLC29A3 protein (p.Arg196Lys). The arginine residue is moderately conserved and there is a small physicochemical difference between arginine and lysine. This variant is present in population databases (rs142951844, ExAC 0.003%). This variant has not been reported in the literature in individuals affected with SLC29A3-related conditions. Algorithms developed to predict the effect of missense changes on protein structure and function (SIFT, PolyPhen-2, Align-GVGD) all suggest that this variant is likely to be tolerated. Algorithms developed to predict the effect of sequence changes on RNA splicing suggest that this variant may create or strengthen a splice site. In summary, the available evidence is currently insufficient to determine the role of this variant in disease. Therefore, it has been classified as a Variant of Uncertain Significance.